The following is an entry in ClinVar:

ClinVar aggregate classification (germline): Pathogenic. Review status: criteria provided, multiple submitters, no conflicts (2 of 4 stars). 2 submissions from 2 submitters: Pathogenic (2). Last evaluated 2025-12-31.

Conditions:
Bethlem myopathy 1A. Also called: Bethlem Muscular Dystrophy; MYOPATHY, BENIGN CONGENITAL, WITH CONTRACTURES; Bethlem myopathy 1. Identifiers: Orphanet 610, MedGen CN029274, MONDO:0024530, OMIM 158810.

Submissions (2):

Labcorp Genetics (formerly Invitae), Labcorp
Classification: Pathogenic for Bethlem myopathy 1A. Last evaluated: 2025-12-31. Review status: criteria provided, single submitter. Criteria: Invitae Variant Classification Sherloc (09022015). Collection method: clinical testing. Allele origin: germline.
Comment: This sequence change affects an acceptor splice site in intron 6 of the COL6A2 gene. It is expected to disrupt RNA splicing. Variants that disrupt the donor or acceptor splice site typically lead to a loss of protein function (PMID: 16199547), and loss-of-function variants in COL6A2 are known to be disease-causing for autosomal recessive COL6A2-related conditions (PMID: 21280092, 20976770). However, certain variants affecting donor or acceptor splice sites in the triple helical domain of COL6A2 are expected to result in in-frame exon skipping and have been reported to cause autosomal dominant COL6A2-related conditions (PMID: 18366090). This variant is not present in population databases (gnomAD no frequency). Disruption of this splice site has been observed in individuals with autosomal dominant type VI collagenopathy (PMID: 17785673, 27363342, 28688748, 28831785). ClinVar contains an entry for this variant (Variation ID: 290497). Algorithms developed to predict the effect of sequence changes on RNA splicing suggest that this variant may disrupt the consensus splice site. For these reasons, this variant has been classified as Pathogenic.

Eurofins Ntd Llc (ga)
Classification: Pathogenic. Last evaluated: 2016-08-25. Review status: criteria provided, single submitter. Criteria: EGL Classification Definitions 2015. Collection method: clinical testing. Allele origin: germline. Observed: 1 variant allele, 1 heterozygote.

Literature cited by the submitters: PubMed 16199547 (cited by Labcorp Genetics (formerly Invitae), Labcorp); PubMed 21280092 (cited by Labcorp Genetics (formerly Invitae), Labcorp); PubMed 20976770 (cited by Labcorp Genetics (formerly Invitae), Labcorp); PubMed 18366090 (cited by Labcorp Genetics (formerly Invitae), Labcorp); PubMed 17785673 (cited by Labcorp Genetics (formerly Invitae), Labcorp); PubMed 27363342 (cited by Labcorp Genetics (formerly Invitae), Labcorp); PubMed 28688748 (cited by Labcorp Genetics (formerly Invitae), Labcorp); PubMed 28831785 (cited by Labcorp Genetics (formerly Invitae), Labcorp).

NM_001849.4(COL6A2):c.856-2A>C

Gene: COL6A2 (collagen type VI alpha 2 chain; plus strand). Cytogenetic location: 21q22.3.
Variant type: single nucleotide variant.
Coding change: c.856-2A>C on transcript NM_001849.4 (MANE Select); the canonical splice acceptor site of the intron before coding-DNA position 856, A replaced by C.
Molecular consequence: splice acceptor variant.
Genome position (GRCh38, 1-based): chr21:46,116,007, A>C. VCF-style: chr21-46116007-A-C. GRCh37 (hg19) VCF-style: chr21-47535921-A-C.
Other names: c.856-2A>C (NM_058175.3, NM_058174.3).
Identifiers: ClinVar variation 290497 (VCV000290497.6), dbSNP rs886044466, ClinGen allele CA10606790.